The following is an entry in ClinVar:

NM_001793.6(CDH3):c.863G>A (p.Arg288Gln)

Gene: CDH3 (cadherin 3; plus strand). Cytogenetic location: 16q22.1.
Variant type: single nucleotide variant.
Coding change: c.863G>A on transcript NM_001793.6 (MANE Select); coding-DNA position 863, G replaced by A.
Protein change: p.Arg288Gln; replaces arginine 288 with glutamine.
Molecular consequence: missense variant.
Genome position (GRCh38, 1-based): chr16:68,679,970, G>A. VCF-style: chr16-68679970-G-A. GRCh37 (hg19) VCF-style: chr16-68713873-G-A.
Other names: c.863G>A, p.Arg288Gln (NM_001317195.3); c.698G>A, p.Arg233Gln (NM_001317196.2); short protein forms R233Q, R288Q.
Identifiers: ClinVar variation 1020476 (VCV001020476.5), dbSNP rs371486773, ClinGen allele CA8129160.

ClinVar aggregate classification (germline): Uncertain significance (1 of 4 stars; one submission).

Allele frequency attached by ClinVar (database versions not stated): ExAC 0.00002; gnomAD exomes 0.00002 and 0.00003; gnomAD 0.00003; TOPMed 0.00003; ESP Exome Variant Server 0.00015.
gnomAD v4.1: 56 of 1,613,900 alleles (0.0035%); highest among the groups gnomAD compares: Middle Eastern, 0.016%; no homozygotes.

Submission:

Labcorp Genetics (formerly Invitae), Labcorp
Classification: Uncertain significance. Last evaluated: 2025-08-21. Review status: criteria provided, single submitter. Criteria: Invitae Variant Classification Sherloc (09022015). Collection method: clinical testing. Allele origin: germline.
Comment: This sequence change replaces arginine with glutamine at codon 288 of the CDH3 protein (p.Arg288Gln). The arginine residue is highly conserved and there is a small physicochemical difference between arginine and glutamine. This variant is present in population databases (rs371486773, gnomAD 0.004%). This variant has not been reported in the literature in individuals affected with CDH3-related conditions. ClinVar contains an entry for this variant (Variation ID: 1020476). Invitae Evidence Modeling of protein sequence and biophysical properties (such as structural, functional, and spatial information, amino acid conservation, physicochemical variation, residue mobility, and thermodynamic stability) indicates that this missense variant is expected to disrupt CDH3 protein function with a positive predictive value of 80%. In summary, the available evidence is currently insufficient to determine the role of this variant in disease. Therefore, it has been classified as a Variant of Uncertain Significance.